The following is an entry in ClinVar:

NM_019066.5(MAGEL2):c.1976T>A (p.Val659Glu)

Gene: MAGEL2 (MAGE family member L2; minus strand). Cytogenetic location: 15q11.2.
Variant type: single nucleotide variant.
Coding change: c.1976T>A on transcript NM_019066.5 (MANE Select); coding-DNA position 1976, T replaced by A.
Protein change: p.Val659Glu; replaces valine 659 with glutamic acid.
Molecular consequence: missense variant.
Genome position (GRCh38, 1-based): chr15:23,645,767, A>T on the plus strand (T>A on the coding strand, the complement: MAGEL2 is on the minus strand). VCF-style: chr15-23645767-A-T. GRCh37 (hg19) VCF-style: chr15-23890914-A-T.
Other names: short protein forms V659E.
Identifiers: ClinVar variation 2135170 (VCV002135170.4), dbSNP rs1224915422, ClinGen allele CA391332931.

ClinVar aggregate classification (germline): Uncertain significance (1 of 4 stars; one submission).

Submission:

Labcorp Genetics (formerly Invitae), Labcorp
Classification: Uncertain significance. Last evaluated: 2024-09-06. Review status: criteria provided, single submitter. Criteria: Invitae Variant Classification Sherloc (09022015). Collection method: clinical testing. Allele origin: germline.
Comment: This sequence change replaces valine, which is neutral and non-polar, with glutamic acid, which is acidic and polar, at codon 659 of the MAGEL2 protein (p.Val659Glu). This variant is not present in population databases (gnomAD no frequency). This variant has not been reported in the literature in individuals affected with MAGEL2-related conditions. ClinVar contains an entry for this variant (Variation ID: 2135170). Invitae Evidence Modeling of protein sequence and biophysical properties (such as structural, functional, and spatial information, amino acid conservation, physicochemical variation, residue mobility, and thermodynamic stability) indicates that this missense variant is not expected to disrupt MAGEL2 protein function with a negative predictive value of 80%. In summary, the available evidence is currently insufficient to determine the role of this variant in disease. Therefore, it has been classified as a Variant of Uncertain Significance.